The following is an entry in ClinVar:

NM_001211.6(BUB1B):c.2904C>A (p.His968Gln)

Genes: BUB1B (BUB1 mitotic checkpoint serine/threonine kinase B; plus strand), BUB1B-PAK6 (BUB1B-PAK6 readthrough; plus strand). Cytogenetic location: 15q15.1.
Variant type: single nucleotide variant.
Coding change: c.2904C>A on transcript NM_001211.6 (MANE Select); coding-DNA position 2904, C replaced by A.
Protein change: p.His968Gln; replaces histidine 968 with glutamine.
Molecular consequence: missense variant. On other transcripts: intron variant (2).
Genome position (GRCh38, 1-based): chr15:40,218,509, C>A. VCF-style: chr15-40218509-C-A. GRCh37 (hg19) VCF-style: chr15-40510710-C-A.
Other names: c.-201+842C>A (NM_001128628.3); c.-118+842C>A (NM_001128629.3); short protein forms H968Q.
Identifiers: ClinVar variation 1008939 (VCV001008939.13), dbSNP rs1284860869, ClinGen allele CA391688293.

ClinVar aggregate classification (germline): Uncertain significance. Review status: criteria provided, multiple submitters, no conflicts (2 of 4 stars). 2 submissions from 2 submitters: Uncertain significance (2). Last evaluated 2025-08-29.

Conditions:
Inborn genetic diseases. Identifiers: MedGen C0950123, MeSH D030342.
Mosaic variegated aneuploidy syndrome 1 (MVA1). Also called: Warburton-Anyane-Yeboa syndrome. Identifiers: Orphanet 1052, MedGen C1850343, MONDO:0009759, OMIM 257300.

gnomAD v4.1: 2 of 1,614,116 alleles (0.00012%); highest among the groups gnomAD compares: Non-Finnish European, 0.00017%; no homozygotes.

Submissions (2):

Ambry Genetics
Classification: Uncertain significance for Inborn genetic diseases. Last evaluated: 2025-08-29. Review status: criteria provided, single submitter. Criteria: Ambry Variant Classification Scheme 2023. Collection method: clinical testing. Allele origin: germline.
Comment: The p.H968Q variant (also known as c.2904C>A), located in coding exon 22 of the BUB1B gene, results from a C to A substitution at nucleotide position 2904. The histidine at codon 968 is replaced by glutamine, an amino acid with highly similar properties. This amino acid position is conserved. In addition, the in silico prediction for this alteration is inconclusive. Since supporting evidence is limited at this time, the clinical significance of this alteration remains unclear.

Labcorp Genetics (formerly Invitae), Labcorp
Classification: Uncertain significance for Mosaic variegated aneuploidy syndrome 1. Last evaluated: 2022-01-16. Review status: criteria provided, single submitter. Criteria: Invitae Variant Classification Sherloc (09022015). Collection method: clinical testing. Allele origin: germline.
Comment: In summary, the available evidence is currently insufficient to determine the role of this variant in disease. Therefore, it has been classified as a Variant of Uncertain Significance. Algorithms developed to predict the effect of missense changes on protein structure and function are either unavailable or do not agree on the potential impact of this missense change (SIFT: "Tolerated"; PolyPhen-2: "Probably Damaging"; Align-GVGD: "Class C0"). ClinVar contains an entry for this variant (Variation ID: 1008939). This variant has not been reported in the literature in individuals affected with BUB1B-related conditions. This variant is not present in population databases (gnomAD no frequency). This sequence change replaces histidine, which is basic and polar, with glutamine, which is neutral and polar, at codon 968 of the BUB1B protein (p.His968Gln).